The following is an entry in ClinVar:

ClinVar aggregate classification (germline): Likely pathogenic (1 of 4 stars; one submission).

Conditions:
Hereditary spherocytosis type 5. Also called: EPB42-Related Hereditary Spherocytosis; EPB42-Related Spherocytosis. Identifiers: Orphanet 822, MedGen C2675192, MONDO:0012985, OMIM 612690.

Submission:

Diagnostics Services (NGS), CSIR - Centre For Cellular And Molecular Biology
Classification: Likely pathogenic for Hereditary spherocytosis type 5. Last evaluated: 2026-06-30. Review status: criteria provided, single submitter. Criteria: ACMG Guidelines, 2015. Collection method: clinical testing. Allele origin: germline. Affected: no. Observed: 1 variant allele, 1 heterozygote.

NM_001114134.2(EPB42):c.1188G>A (p.Trp396Ter)

Gene: EPB42 (erythrocyte membrane protein band 4.2; minus strand). Cytogenetic location: 15q15.2.
Variant type: single nucleotide variant.
Coding change: c.1188G>A on transcript NM_001114134.2 (MANE Select); coding-DNA position 1188, G replaced by A.
Protein change: p.Trp396Ter; replaces tryptophan 396 with a stop codon.
Molecular consequence: nonsense.
Genome position (GRCh38, 1-based): chr15:43,207,329, C>T on the plus strand (G>A on the coding strand, the complement: EPB42 is on the minus strand). VCF-style: chr15-43207329-C-T. GRCh37 (hg19) VCF-style: chr15-43499527-C-T.
Other names: c.1278G>A, p.Trp426Ter (NM_000119.3); short protein forms W396*, W426*.
Identifiers: ClinVar variation 4884488 (VCV004884488.1).
Genomic context (GRCh38, chr15:43,207,329, plus strand): 5'-GTTGCCAACATACTTTGTGTTGGAGTCAGTCAACTCCAGTGTCCCATCCTCACAGCACTT[C>T]CAGACCACACATGAGGCATTTATGGCAGCAAAAAGGTCTGACACTGCTGGGGTCAGCCCC-3'